The following is an entry in ClinVar:

ClinVar aggregate classification (germline): Uncertain significance (1 of 4 stars; one submission).

Conditions:
Perlman syndrome (PRLMNS). Identifiers: Orphanet 2849, MedGen C0796113, MONDO:0009965, OMIM 267000.

Allele frequency attached by ClinVar (database versions not stated): gnomAD exomes below 0.00001; TOPMed below 0.00001; gnomAD 0.00001.
gnomAD v4.1: 3 of 1,612,998 alleles (0.00019%); highest among the groups gnomAD compares: Non-Finnish European, 0.00025%; no homozygotes.

Submission:

Labcorp Genetics (formerly Invitae), Labcorp
Classification: Uncertain significance for Perlman syndrome. Last evaluated: 2023-07-19. Review status: criteria provided, single submitter. Criteria: Invitae Variant Classification Sherloc (09022015). Collection method: clinical testing. Allele origin: germline.
Comment: In summary, the available evidence is currently insufficient to determine the role of this variant in disease. Therefore, it has been classified as a Variant of Uncertain Significance. Advanced modeling of protein sequence and biophysical properties (such as structural, functional, and spatial information, amino acid conservation, physicochemical variation, residue mobility, and thermodynamic stability) performed at Invitae indicates that this missense variant is not expected to disrupt DIS3L2 protein function. ClinVar contains an entry for this variant (Variation ID: 1511605). This variant has not been reported in the literature in individuals affected with DIS3L2-related conditions. This variant is not present in population databases (gnomAD no frequency). This sequence change replaces glutamine, which is neutral and polar, with lysine, which is basic and polar, at codon 627 of the DIS3L2 protein (p.Gln627Lys).

NM_152383.5(DIS3L2):c.1879C>A (p.Gln627Lys)

Gene: DIS3L2 (DIS3 like 3'-5' exoribonuclease 2; plus strand). Cytogenetic location: 2q37.1.
Variant type: single nucleotide variant.
Coding change: c.1879C>A on transcript NM_152383.5 (MANE Select); coding-DNA position 1879, C replaced by A.
Protein change: p.Gln627Lys; replaces glutamine 627 with lysine.
Molecular consequence: missense variant. On other transcripts: non-coding transcript variant (2), intron variant (1).
Genome position (GRCh38, 1-based): chr2:232,329,952, C>A. VCF-style: chr2-232329952-C-A. GRCh37 (hg19) VCF-style: chr2-233194662-C-A.
Other names: c.1582-13393C>A (NM_001257281.2); short protein forms Q627K.
Identifiers: ClinVar variation 1511605 (VCV001511605.6), dbSNP rs890132999, ClinGen allele CA66925863.